The following is an entry in ClinVar:

ClinVar aggregate classification (germline): Conflicting classifications of pathogenicity. Review status: criteria provided, conflicting classifications (1 of 4 stars). 10 submissions from 10 submitters: Uncertain significance (5); Likely benign (2). 3 of the submissions do not count toward it. Last evaluated 2026-01-28.

Conditions:
LYST-related disorder. Also called: LYST-related condition.
Chédiak-Higashi syndrome (CHS). Also called: Chediak-Higashi Syndrome. Identifiers: Orphanet 167, MedGen C0007965, MONDO:0008963, OMIM 214500.
Autoinflammatory syndrome. Identifiers: Orphanet 93665, MedGen C3890737, MONDO:0019751.

Allele frequency attached by ClinVar (database versions not stated): gnomAD exomes 0.00020; ExAC 0.00022; gnomAD 0.00083 and 0.00086; TOPMed 0.00099; ESP Exome Variant Server 0.00123; 1000 Genomes Project 0.00140; 1000 Genomes Project 30x 0.00141.
gnomAD v4.1: 267 of 1,600,428 alleles (0.017%); highest among the groups gnomAD compares: African/African-American, 0.29%; 1 homozygote.

Submissions (10):

Labcorp Genetics (formerly Invitae), Labcorp
Classification: Likely benign for Chédiak-Higashi syndrome. Last evaluated: 2026-01-28. Review status: criteria provided, single submitter. Criteria: Invitae Variant Classification Sherloc (09022015). Collection method: clinical testing. Allele origin: germline.

Dasa
Classification: Uncertain significance. Last evaluated: 2025-11-19. Review status: criteria provided, single submitter. Criteria: DASA Assertion Criteria. Collection method: clinical testing. Allele origin: germline.
Comment: NM_000081.4(LYST):c.8027G>T (p.Ser2676Ile) is a missense variant that results in the substitution of serine with isoleucine. This variant is rare in population databases. Computational prediction algorithms are consistent with a benign effect. The currently available literature and clinical evidence are not sufficient to establish a definitive association between this variant and the reported condition. Therefore, this variant is classified as a variant of uncertain significance.

Blueprint Genetics
Classification: Uncertain significance. Last evaluated: 2022-07-15. Review status: criteria provided, single submitter. Criteria: ACMG Guidelines, 2015. Collection method: clinical testing. Allele origin: germline.

Mayo Clinic Laboratories, Mayo Clinic
Classification: Uncertain significance. Last evaluated: 2022-04-18. Review status: criteria provided, single submitter. Criteria: ACMG Guidelines, 2015. Collection method: clinical testing. Allele origin: germline. Observed: 2 variant alleles.
Comment: BP4

Genome Diagnostics Laboratory, The Hospital for Sick Children
Classification: Likely benign for Autoinflammatory syndrome. Last evaluated: 2020-09-05. Review status: criteria provided, single submitter. Criteria: ACMG Guidelines, 2015. Collection method: clinical testing. Allele origin: germline. Affected: yes.

Illumina Laboratory Services, Illumina
Classification: Uncertain significance for Chédiak-Higashi syndrome. Last evaluated: 2018-01-12. Review status: criteria provided, single submitter. Criteria: ICSL Variant Classification Criteria 13 December 2019. Collection method: clinical testing. Allele origin: germline.

Genetic Services Laboratory, University of Chicago
Classification: Uncertain significance. Last evaluated: 2017-03-27. Review status: criteria provided, single submitter. Criteria: ACMG Guidelines, 2015. Collection method: clinical testing. Allele origin: germline. Affected: no.

PreventionGenetics, part of Exact Sciences
Classification: Likely benign for LYST-related condition. Last evaluated: 2023-11-15. Review status: no assertion criteria provided. Collection method: clinical testing. Allele origin: germline. Not counted in ClinVar's aggregate classification.
Comment: This variant is classified as likely benign based on ACMG/AMP sequence variant interpretation guidelines (Richards et al. 2015 PMID: 25741868, with internal and published modifications).

Clinical Genetics DNA and cytogenetics Diagnostics Lab, Erasmus MC, Erasmus Medical Center
Classification: Uncertain significance. Review status: no assertion criteria provided. Collection method: clinical testing. Allele origin: germline. Affected: yes. Study: VKGL Data-share Consensus. Not counted in ClinVar's aggregate classification.

Laboratory of Diagnostic Genome Analysis, Leiden University Medical Center (LUMC)
Classification: Uncertain significance. Review status: no assertion criteria provided. Collection method: clinical testing. Allele origin: germline. Affected: yes. Study: VKGL Data-share Consensus. Not counted in ClinVar's aggregate classification.

NM_000081.4(LYST):c.8027G>T (p.Ser2676Ile)

Gene: LYST (lysosomal trafficking regulator; minus strand). Cytogenetic location: 1q42.3.
Variant type: single nucleotide variant.
Coding change: c.8027G>T on transcript NM_000081.4 (MANE Select); coding-DNA position 8027, G replaced by T.
Protein change: p.Ser2676Ile; replaces serine 2676 with isoleucine.
Molecular consequence: missense variant.
Genome position (GRCh38, 1-based): chr1:235,744,103, C>A on the plus strand (G>T on the coding strand, the complement: LYST is on the minus strand). VCF-style: chr1-235744103-C-A. GRCh37 (hg19) VCF-style: chr1-235907403-C-A.
Other names: p.Ser2676Ile; c.8027G>T, p.Ser2676Ile (NM_001301365.1); short protein forms S2676I.
Identifiers: ClinVar variation 435789 (VCV000435789.29), dbSNP rs113209379, ClinGen allele CA1465962.